The following is an entry in ClinVar:

ClinVar aggregate classification (germline): Uncertain significance (1 of 4 stars; one submission).

Submission:

Labcorp Genetics (formerly Invitae), Labcorp
Classification: Uncertain significance. Last evaluated: 2022-02-20. Review status: criteria provided, single submitter. Criteria: Invitae Variant Classification Sherloc (09022015). Collection method: clinical testing. Allele origin: germline.
Comment: Algorithms developed to predict the effect of missense changes on protein structure and function are either unavailable or do not agree on the potential impact of this missense change (SIFT: "Not Available"; PolyPhen-2: "Probably Damaging"; Align-GVGD: "Not Available"). This variant has not been reported in the literature in individuals affected with ADAMTS18-related conditions. This variant is not present in population databases (gnomAD no frequency). This sequence change replaces methionine, which is neutral and non-polar, with valine, which is neutral and non-polar, at codon 324 of the ADAMTS18 protein (p.Met324Val). In summary, the available evidence is currently insufficient to determine the role of this variant in disease. Therefore, it has been classified as a Variant of Uncertain Significance.

NM_199355.4(ADAMTS18):c.970A>G (p.Met324Val)

Gene: ADAMTS18 (ADAM metallopeptidase with thrombospondin type 1 motif 18; minus strand). Cytogenetic location: 16q23.1.
Variant type: single nucleotide variant.
Coding change: c.970A>G on transcript NM_199355.4 (MANE Select); coding-DNA position 970, A replaced by G.
Protein change: p.Met324Val; replaces methionine 324 with valine.
Molecular consequence: missense variant.
Genome position (GRCh38, 1-based): chr16:77,364,190, T>C on the plus strand (A>G on the coding strand, the complement: ADAMTS18 is on the minus strand). VCF-style: chr16-77364190-T-C. GRCh37 (hg19) VCF-style: chr16-77398087-T-C.
Other names: c.454A>G, p.Met152Val (NM_001326358.2); short protein forms M152V, M324V.
Identifiers: ClinVar variation 1964684 (VCV001964684.5), dbSNP rs2543747253, ClinGen allele CA396836470.
Genomic context (GRCh38, chr16:77,364,190, plus strand): 5'-AATTCCATGACATTTATTTTCTTTGGAGAGCCAGAAGGTTTGTGACACCCCCGCTTACCA[T>C]GTTCATTACTGTGAGAATGTATGTGGTGACATTTCCCTTGCCATGCTTTTCCACCATTTT-3'
Protein context (NP_955387.1, residues 314-334): VTTYILTVMN[Met324Val]VSGLFKDGTI